The following is an entry in ClinVar:

ClinVar aggregate classification (germline): Uncertain significance (1 of 4 stars; one submission).

Conditions:
Hereditary cancer-predisposing syndrome. Also called: Tumor predisposition; Neoplastic Syndromes, Hereditary; Hereditary Cancer Syndrome; Hereditary neoplastic syndrome. Identifiers: Orphanet 140162, MedGen C0027672, MeSH D009386, MONDO:0015356.

Submission:

Ambry Genetics
Classification: Uncertain significance for Hereditary cancer-predisposing syndrome. Last evaluated: 2024-11-26. Review status: criteria provided, single submitter. Criteria: Ambry Variant Classification Scheme 2023. Collection method: clinical testing. Allele origin: germline.
Comment: The p.R717K variant (also known as c.2150G>A), located in coding exon 8 of the BLM gene, results from a G to A substitution at nucleotide position 2150. The arginine at codon 717 is replaced by lysine, an amino acid with highly similar properties. This amino acid position is conserved. In addition, this alteration is predicted to be tolerated by in silico analysis. Based on the available evidence, the clinical significance of this variant remains unclear.

NM_000057.4(BLM):c.2150G>A (p.Arg717Lys)

Gene: BLM (BLM RecQ like helicase; plus strand). Cytogenetic location: 15q26.1.
Variant type: single nucleotide variant.
Coding change: c.2150G>A on transcript NM_000057.4 (MANE Select); coding-DNA position 2150, G replaced by A.
Protein change: p.Arg717Lys; replaces arginine 717 with lysine.
Molecular consequence: missense variant.
Genome position (GRCh38, 1-based): chr15:90,765,371, G>A. VCF-style: chr15-90765371-G-A. GRCh37 (hg19) VCF-style: chr15-91308601-G-A.
Other names: c.2150G>A, p.Arg717Lys (NM_001287246.2, NM_001287247.2); c.1025G>A, p.Arg342Lys (NM_001287248.2); short protein forms R342K, R717K.
Identifiers: ClinVar variation 3480909 (VCV003480909.1).